The following is an entry in ClinVar:

NM_000256.3(MYBPC3):c.2077G>C (p.Ala693Pro)

Gene: MYBPC3 (myosin binding protein C3; minus strand). Cytogenetic location: 11p11.2.
Variant type: single nucleotide variant.
Coding change: c.2077G>C on transcript NM_000256.3 (MANE Select); coding-DNA position 2077, G replaced by C.
Protein change: p.Ala693Pro; replaces alanine 693 with proline.
Molecular consequence: missense variant.
Genome position (GRCh38, 1-based): chr11:47,339,395, C>G on the plus strand (G>C on the coding strand, the complement: MYBPC3 is on the minus strand). VCF-style: chr11-47339395-C-G. GRCh37 (hg19) VCF-style: chr11-47360946-C-G.
Other names: c.2077G>C, p.Ala693Pro (LRG_386t1); short protein forms A693P.
Identifiers: ClinVar variation 525037 (VCV000525037.5), dbSNP rs771753579, ClinGen allele CA380321156.

ClinVar aggregate classification (germline): Uncertain significance (1 of 4 stars; one submission).

Conditions:
Hypertrophic cardiomyopathy. Also called: HYPERTROPHIC MYOCARDIOPATHY. Identifiers: Orphanet 217569, MedGen C0007194, MeSH D002312, MONDO:0005045, HP:0001639.

gnomAD v4.1: 10 of 1,613,914 alleles (0.00062%); highest among the groups gnomAD compares: South Asian, 0.011%; no homozygotes.

Submission:

Labcorp Genetics (formerly Invitae), Labcorp
Classification: Uncertain significance for Hypertrophic cardiomyopathy. Last evaluated: 2021-09-01. Review status: criteria provided, single submitter. Criteria: Invitae Variant Classification Sherloc (09022015). Collection method: clinical testing. Allele origin: germline.
Comment: This sequence change replaces alanine with proline at codon 693 of the MYBPC3 protein (p.Ala693Pro). The alanine residue is weakly conserved and there is a small physicochemical difference between alanine and proline. This variant is not present in population databases (ExAC no frequency). This variant has not been reported in the literature in individuals affected with MYBPC3-related conditions. ClinVar contains an entry for this variant (Variation ID: 525037). Algorithms developed to predict the effect of missense changes on protein structure and function (SIFT, PolyPhen-2, Align-GVGD) all suggest that this variant is likely to be tolerated. In summary, the available evidence is currently insufficient to determine the role of this variant in disease. Therefore, it has been classified as a Variant of Uncertain Significance.